The following is an entry in ClinVar:

ClinVar aggregate classification (germline): Benign. Review status: reviewed by expert panel (3 of 4 stars). 31 submissions from 25 submitters: Benign (1). 30 of the submissions do not count toward it. Last evaluated 2023-09-26.

Conditions:
MASS syndrome (OCTD). Also called: MASS PHENOTYPE; OVERLAP CONNECTIVE TISSUE DISEASE. Identifiers: MedGen C1858556, MONDO:0011431, OMIM 604308.
Marfan syndrome (MFS). Also called: Marfan syndrome, classic; FBN1-Related Marfan Syndrome; Marfan syndrome type 1; Marfan's syndrome; MARFAN SYNDROME, TYPE I. Identifiers: Orphanet 284963, Orphanet 558, MedGen C0024796, MONDO:0007947, OMIM 154700.
Progeroid and marfanoid aspect-lipodystrophy syndrome. Also called: MARFANOID-PROGEROID-LIPODYSTROPHY SYNDROME; MARFANOID-PROGEROID SYNDROME; MARFAN-PROGEROID-LIPODYSTROPHY SYNDROME; Marfan lipodystrophy syndrome. Identifiers: Orphanet 300382, MedGen C4310796, MONDO:0014831, OMIM 616914.
Acromicric dysplasia (ACMICD). Also called: Acromicric skeletal dysplasia. Identifiers: Orphanet 969, MedGen C0265287, MONDO:0007055, OMIM 102370.
Stiff skin syndrome (SSKS). Identifiers: Orphanet 2833, MedGen C1861456, MONDO:0008492, OMIM 184900.
Geleophysic dysplasia 2 (GPHYSD2). Identifiers: Orphanet 2623, MedGen C3280054, MONDO:0013612, OMIM 614185.
Weill-Marchesani syndrome 2, dominant. Also called: Weill-Marchesani Syndrome, Autosomal Dominant; FBN1-Related Weill-Marchesani Syndrome. Identifiers: Orphanet 2084, MedGen C1869115, MONDO:0012013, OMIM 608328.
Ectopia lentis 1, isolated, autosomal dominant (ECTOL1). Identifiers: Orphanet 1885, MedGen C3541518, MONDO:0007514, OMIM 129600.
Connective tissue disorder. Also called: Connective tissue disease. Identifiers: MedGen C0009782, MONDO:0003900.
Geleophysic dysplasia. Identifiers: Orphanet 2623, MedGen C3489726, MONDO:0000127.
Weill-Marchesani syndrome. Also called: WM Syndrome; Mesodermal dysmorphodystrophy congenital. Identifiers: Orphanet 3449, MedGen C0265313, MONDO:0018096.
Familial thoracic aortic aneurysm and aortic dissection (TAAD). Also called: Thoracic aortic aneurysms and dissections. Identifiers: Orphanet 91387, MedGen C4707243, MONDO:0019625.
FBN1-related disorder. Also called: FBN1-related disorders.

Allele frequency attached by ClinVar (database versions not stated): 1000 Genomes Project 30x 0.00016; gnomAD 0.00106 and 0.00107; 1000 Genomes Project 0.00020; ExAC 0.00151; ESP Exome Variant Server 0.00131; gnomAD exomes 0.00118 and 0.00110; TOPMed 0.00071.
gnomAD v4.1: 1,776 of 1,614,124 alleles (0.11%); highest among the groups gnomAD compares: South Asian, 0.17%; 5 homozygotes.

Submissions 1 to 17 of 31:

ClinGen FBN1 Variant Curation Expert Panel, ClinGen
Classification: Benign for Marfan syndrome. Last evaluated: 2023-09-26. Review status: reviewed by expert panel. Criteria: Assertion Criteria VCEP FBN1 Version 1. Collection method: curation. Allele origin: germline. Inheritance: Autosomal dominant inheritance.
Comment: NM_000138.5 c.2956G>A is a missense variant in FBN1 predicted to cause a substitution of an alanine by a threonine at amino acid 986 (p.Ala986Thr). This variant has been identified in numerous individuals with diagnoses or suspicion of Marfan syndrome in both the published literature and internal databases (PP4; PMIDs: 24793577, 26410935, 27582083, 28679693, 28387797; Bichat, Mayo, UZG, UZA); however, in at least 3 of these cases, another pathogenic variant in FBN1 was also present (BP2; Bichat). This variant has been previously reported in ClinVar as likely benign or benign by more than 20 laboratories (Variation ID: 36060). It is present in gnomAD v2.1.1 at a frequency of 0.19% (245/129170 alleles) in the European sub-population (BA1). Computational prediction tools and conservation analysis are unclear about a predicted impact of this variant. In summary, this variant meets criteria to be classified as benign for Marfan syndrome based on the ACMG/AMP criteria applied, as specified by the ClinGen FBN1 VCEP: BA1, BP2, PP4. The pathogenic evidence code PP4 was not considered to be in conflict with this conclusion.

Molecular Diagnostic Laboratory for Inherited Cardiovascular Disease, Montreal Heart Institute
Classification: Likely benign. Last evaluated: 2026-09-21. Review status: criteria provided, single submitter. Criteria: ACMG Guidelines, 2015. Collection method: clinical testing. Allele origin: germline. Affected: no. Not counted in ClinVar's aggregate classification.
Comment: BS1,BP6

CeGaT Center for Human Genetics Tuebingen
Classification: Likely benign. Last evaluated: 2026-08-01. Review status: criteria provided, single submitter. Criteria: CeGaT Center For Human Genetics Tuebingen Variant Classification Criteria Version 2. Collection method: clinical testing. Allele origin: germline. Affected: yes. Observed: 18 variant alleles. Not counted in ClinVar's aggregate classification.
Comment: FBN1: BS1

GeneDx
Classification: Likely benign. Last evaluated: 2026-03-25. Review status: criteria provided, single submitter. Criteria: GeneDx Variant Classification Process June 2021. Collection method: clinical testing. Allele origin: germline. Not counted in ClinVar's aggregate classification.
Comment: See Variant Classification Assertion Criteria.

Labcorp Genetics (formerly Invitae), Labcorp
Classification: Likely benign for Marfan syndrome; Familial thoracic aortic aneurysm and aortic dissection. Last evaluated: 2026-01-28. Review status: criteria provided, single submitter. Criteria: Invitae Variant Classification Sherloc (09022015). Collection method: clinical testing. Allele origin: germline. Not counted in ClinVar's aggregate classification.

Blueprint Genetics
Classification: Likely benign. Last evaluated: 2024-11-21. Review status: criteria provided, single submitter. Criteria: ACMG Guidelines, 2015. Collection method: clinical testing. Allele origin: germline. Not counted in ClinVar's aggregate classification.

ARUP Laboratories, Molecular Genetics and Genomics, ARUP Laboratories
Classification: Benign. Last evaluated: 2024-10-10. Review status: criteria provided, single submitter. Criteria: ARUP Molecular Germline Variant Investigation Process 2024. Collection method: clinical testing. Allele origin: germline. Not counted in ClinVar's aggregate classification.

Genome Diagnostics Laboratory, The Hospital for Sick Children
Classification: Likely benign for Connective tissue disorder. Last evaluated: 2021-12-01. Review status: criteria provided, single submitter. Criteria: ACMG Guidelines, 2015. Collection method: clinical testing. Allele origin: germline. Not counted in ClinVar's aggregate classification.

Mendelics
Classification: Likely benign for Marfan syndrome. Last evaluated: 2019-05-28. Review status: criteria provided, single submitter. Criteria: Mendelics Assertion Criteria 2017. Collection method: clinical testing. Allele origin: unknown. Not counted in ClinVar's aggregate classification.

Color Diagnostics, LLC DBA Color Health
Classification: Likely benign for Familial thoracic aortic aneurysm and aortic dissection. Last evaluated: 2018-03-16. Review status: criteria provided, single submitter. Criteria: ACMG Guidelines, 2015. Collection method: clinical testing. Allele origin: germline. Not counted in ClinVar's aggregate classification.

Illumina Laboratory Services, Illumina
Classification: Benign for Geleophysic dysplasia. Last evaluated: 2018-01-12. Review status: criteria provided, single submitter. Criteria: ICSL Variant Classification Criteria 13 December 2019. Collection method: clinical testing. Allele origin: germline. Not counted in ClinVar's aggregate classification.
Comment: This variant was observed as part of a predisposition screen in an ostensibly healthy population. A literature search was performed for the gene, cDNA change, and amino acid change (where applicable). No publications were found based on this search. Allele frequency data from public databases was too high to be consistent with this variant causing disease. Therefore, this variant is classified as benign.

Illumina Laboratory Services, Illumina
Classification: Uncertain significance for Familial thoracic aortic aneurysm and aortic dissection. Last evaluated: 2018-01-12. Review status: criteria provided, single submitter. Criteria: ICSL Variant Classification Criteria 13 December 2019. Collection method: clinical testing. Allele origin: germline. Not counted in ClinVar's aggregate classification.

Illumina Laboratory Services, Illumina
Classification: Benign for Ectopia lentis 1, isolated, autosomal dominant. Last evaluated: 2018-01-12. Review status: criteria provided, single submitter. Criteria: ICSL Variant Classification Criteria 13 December 2019. Collection method: clinical testing. Allele origin: germline. Not counted in ClinVar's aggregate classification.
Comment: the same text as in the submission from Illumina Laboratory Services, Illumina above.

Illumina Laboratory Services, Illumina
Classification: Benign for Acromicric dysplasia. Last evaluated: 2018-01-12. Review status: criteria provided, single submitter. Criteria: ICSL Variant Classification Criteria 13 December 2019. Collection method: clinical testing. Allele origin: germline. Not counted in ClinVar's aggregate classification.
Comment: the same text as in the submission from Illumina Laboratory Services, Illumina above.

Illumina Laboratory Services, Illumina
Classification: Benign for Weill-Marchesani syndrome. Last evaluated: 2018-01-12. Review status: criteria provided, single submitter. Criteria: ICSL Variant Classification Criteria 13 December 2019. Collection method: clinical testing. Allele origin: germline. Not counted in ClinVar's aggregate classification.
Comment: the same text as in the submission from Illumina Laboratory Services, Illumina above.

Illumina Laboratory Services, Illumina
Classification: Benign for Marfan syndrome. Last evaluated: 2018-01-12. Review status: criteria provided, single submitter. Criteria: ICSL Variant Classification Criteria 13 December 2019. Collection method: clinical testing. Allele origin: germline. Not counted in ClinVar's aggregate classification.
Comment: the same text as in the submission from Illumina Laboratory Services, Illumina above.

Illumina Laboratory Services, Illumina
Classification: Benign for Stiff skin syndrome. Last evaluated: 2018-01-12. Review status: criteria provided, single submitter. Criteria: ICSL Variant Classification Criteria 13 December 2019. Collection method: clinical testing. Allele origin: germline. Not counted in ClinVar's aggregate classification.
Comment: the same text as in the submission from Illumina Laboratory Services, Illumina above.

NM_000138.5(FBN1):c.2956G>A (p.Ala986Thr)

Gene: FBN1 (fibrillin 1; minus strand). Cytogenetic location: 15q21.1.
Variant type: single nucleotide variant.
Coding change: c.2956G>A on transcript NM_000138.5 (MANE Select); coding-DNA position 2956, G replaced by A.
Protein change: p.Ala986Thr; replaces alanine 986 with threonine.
Molecular consequence: missense variant.
Genome position (GRCh38, 1-based): chr15:48,489,977, C>T on the plus strand (G>A on the coding strand, the complement: FBN1 is on the minus strand). VCF-style: chr15-48489977-C-T. GRCh37 (hg19) VCF-style: chr15-48782174-C-T.
Other names: p.A986T:GCA>ACA; NM_000138.5(FBN1):c.2956G>A; short protein forms A986T.
Identifiers: ClinVar variation 36060 (VCV000036060.77), dbSNP rs112287730, ClinGen allele CA013604.
Genomic context (GRCh38, chr15:48,489,977, plus strand): 5'-CCTCGTACTCAGGAGTATTTCTCATGGGACACTCCTCGCATTCCTCAGTACCCCAGGCTG[C>T]CCCGACGGAGCAGCAGCAGGCGTCCATGCGGTGGCGGCCAGCAATAGGCAGGGTGCACTC-3'
Protein context (NP_000129.3, residues 976-996): RMDACCCSVG[Ala986Thr]AWGTEECEEC